The following is an entry in ClinVar:

ClinVar aggregate classification (germline): Uncertain significance. Review status: criteria provided, multiple submitters, no conflicts (2 of 4 stars). 3 submissions from 3 submitters: Uncertain significance (3). Last evaluated 2024-08-30.

Allele frequency attached by ClinVar (database versions not stated): gnomAD 0.00005; gnomAD exomes 0.00005 and 0.00007; TOPMed 0.00006; ExAC 0.00007.
gnomAD v4.1: 87 of 1,610,528 alleles (0.0054%); highest among the groups gnomAD compares: Non-Finnish European, 0.0023%; no homozygotes.

Submissions (3):

Women's Health and Genetics/Laboratory Corporation of America, LabCorp
Classification: Uncertain significance. Last evaluated: 2024-08-30. Review status: criteria provided, single submitter. Criteria: LabCorp Variant Classification Summary - May 2015. Collection method: clinical testing. Allele origin: germline.
Comment: Variant summary: TBCK c.1508G>A (p.Arg503Lys) results in a conservative amino acid change in the encoded protein sequence. Three of five in-silico tools predict a damaging effect of the variant on protein function. The variant allele was found at a frequency of 6.8e-05 in 249542 control chromosomes. This frequency is not significantly higher than estimated for a pathogenic variant in TBCK causing Hypotonia, Infantile, With Psychomotor Retardation And Characteristic Facies 3 (6.8e-05 vs 0.0011), allowing no conclusion about variant significance. To our knowledge, no occurrence of c.1508G>A in individuals affected with Hypotonia, Infantile, With Psychomotor Retardation And Characteristic Facies 3 and no experimental evidence demonstrating its impact on protein function have been reported. ClinVar contains an entry for this variant (Variation ID: 1461661). Based on the evidence outlined above, the variant was classified as uncertain significance.

Labcorp Genetics (formerly Invitae), Labcorp
Classification: Uncertain significance. Last evaluated: 2022-08-09. Review status: criteria provided, single submitter. Criteria: Invitae Variant Classification Sherloc (09022015). Collection method: clinical testing. Allele origin: germline.
Comment: This sequence change replaces arginine, which is basic and polar, with lysine, which is basic and polar, at codon 503 of the TBCK protein (p.Arg503Lys). This variant is present in population databases (rs144079079, gnomAD 0.1%). This variant has not been reported in the literature in individuals affected with TBCK-related conditions. ClinVar contains an entry for this variant (Variation ID: 1461661). Algorithms developed to predict the effect of missense changes on protein structure and function are either unavailable or do not agree on the potential impact of this missense change (SIFT: "Tolerated"; PolyPhen-2: "Probably Damaging"; Align-GVGD: "Class C0"). In summary, the available evidence is currently insufficient to determine the role of this variant in disease. Therefore, it has been classified as a Variant of Uncertain Significance.

Blueprint Genetics
Classification: Uncertain significance. Last evaluated: 2022-01-17. Review status: criteria provided, single submitter. Criteria: ACMG Guidelines, 2015. Collection method: clinical testing. Allele origin: germline.

NM_001163435.3(TBCK):c.1508G>A (p.Arg503Lys)

Gene: TBCK (TBC1 domain containing kinase; minus strand). Cytogenetic location: 4q24.
Variant type: single nucleotide variant.
Coding change: c.1508G>A on transcript NM_001163435.3 (MANE Select); coding-DNA position 1508, G replaced by A.
Protein change: p.Arg503Lys; replaces arginine 503 with lysine.
Molecular consequence: missense variant.
Genome position (GRCh38, 1-based): chr4:106,233,592, C>T on the plus strand (G>A on the coding strand, the complement: TBCK is on the minus strand). VCF-style: chr4-106233592-C-T. GRCh37 (hg19) VCF-style: chr4-107154749-C-T.
Other names: c.1508G>A, p.Arg503Lys (NM_001163436.4); c.1391G>A, p.Arg464Lys (NM_001163437.3); c.992G>A, p.Arg331Lys (NM_001290768.2); c.1319G>A, p.Arg440Lys (NM_033115.5); short protein forms R331K, R503K, R440K, R464K.
Identifiers: ClinVar variation 1461661 (VCV001461661.5), dbSNP rs144079079, ClinGen allele CA3035038.